The following is an entry in ClinVar:

ClinVar aggregate classification (germline): Pathogenic (1 of 4 stars; one submission).

Conditions:
Hereditary cancer-predisposing syndrome. Also called: Neoplastic Syndromes, Hereditary; Tumor predisposition; Hereditary neoplastic syndrome; Hereditary Cancer Syndrome. Identifiers: Orphanet 140162, MedGen C0027672, MeSH D009386, MONDO:0015356.
Cardiovascular phenotype. Identifiers: MedGen CN230736.

Allele frequency attached by ClinVar (database versions not stated): ExAC 0.00001.
gnomAD v4.1: 1 of 1,613,954 alleles (0.000062%); highest among the groups gnomAD compares: Admixed American, 0.0017%; no homozygotes.

Submission:

Ambry Genetics
Classification: Pathogenic for Cardiovascular phenotype; Hereditary cancer-predisposing syndrome. Last evaluated: 2023-11-30. Review status: criteria provided, single submitter. Criteria: Ambry Variant Classification Scheme 2023. Collection method: clinical testing. Allele origin: germline.
Comment: The p.C342* pathogenic mutation (also known as c.1026T>A), located in coding exon 10 of the LZTR1 gene, results from a T to A substitution at nucleotide position 1026. This changes the amino acid from a cysteine to a stop codon within coding exon 10. This alteration is expected to result in loss of function by premature protein truncation or nonsense-mediated mRNA decay. Loss-of-function variants in LZTR1 are related to an increased risk for schwannomas and autosomal recessive Noonan syndrome; however, such associations with autosomal dominant Noonan syndrome have not been observed (Piotrowski A et al. Nat Genet. 2014 Feb;46:182-7; Yamamoto GL et al. J Med Genet. 2015 Jun;52:413-21; Johnston JJ et al. Genet Med. 2018 10;20:1175-1185). Based on the supporting evidence, this variant is pathogenic for an increased risk of LZTR1-related schwannomatosis (SWN) and would be expected to cause autosomal recessive Noonan syndrome when present along with a second pathogenic or likely pathogenic variant on the other allele; however, the association of this alteration with autosomal dominant Noonan syndrome is unlikely.

NM_006767.4(LZTR1):c.1026T>A (p.Cys342Ter)

Gene: LZTR1 (leucine zipper like post translational regulator 1; plus strand). Cytogenetic location: 22q11.21.
Variant type: single nucleotide variant.
Coding change: c.1026T>A on transcript NM_006767.4 (MANE Select); coding-DNA position 1026, T replaced by A.
Protein change: p.Cys342Ter; replaces cysteine 342 with a stop codon.
Molecular consequence: nonsense.
Genome position (GRCh38, 1-based): chr22:20,992,246, T>A. VCF-style: chr22-20992246-T-A. GRCh37 (hg19) VCF-style: chr22-21346535-T-A.
Other names: short protein forms C342*.
Identifiers: ClinVar variation 3238004 (VCV003238004.1), dbSNP rs763509989.